The following is an entry in ClinVar:

ClinVar aggregate classification (germline): Uncertain significance. Review status: criteria provided, multiple submitters, no conflicts (2 of 4 stars). 2 submissions from 2 submitters: Uncertain significance (2). Last evaluated 2022-09-06.

Conditions:
Combined oxidative phosphorylation defect type 17. Also called: Combined oxidative phosphorylation deficiency 17. Identifiers: Orphanet 369913, MedGen C3809526, MONDO:0014190, OMIM 615440.

Allele frequency attached by ClinVar (database versions not stated): gnomAD exomes below 0.00001.

Submissions (2):

Blueprint Genetics
Classification: Uncertain significance. Last evaluated: 2022-09-06. Review status: criteria provided, single submitter. Criteria: ACMG Guidelines, 2015. Collection method: clinical testing. Allele origin: germline.

Labcorp Genetics (formerly Invitae), Labcorp
Classification: Uncertain significance for Combined oxidative phosphorylation defect type 17. Last evaluated: 2021-05-07. Review status: criteria provided, single submitter. Criteria: Invitae Variant Classification Sherloc (09022015). Collection method: clinical testing. Allele origin: germline.
Comment: This sequence change replaces glycine with arginine at codon 529 of the ELAC2 protein (p.Gly529Arg). The glycine residue is highly conserved and there is a moderate physicochemical difference between glycine and arginine. In summary, the available evidence is currently insufficient to determine the role of this variant in disease. Therefore, it has been classified as a Variant of Uncertain Significance. Algorithms developed to predict the effect of sequence changes on RNA splicing suggest that this variant may create or strengthen a splice site, but this prediction has not been confirmed by published transcriptional studies. Algorithms developed to predict the effect of missense changes on protein structure and function (SIFT, PolyPhen-2, Align-GVGD) all suggest that this variant is likely to be disruptive, but these predictions have not been confirmed by published functional studies and their clinical significance is uncertain. This variant has not been reported in the literature in individuals with ELAC2-related conditions. This variant is not present in population databases (ExAC no frequency).

NM_018127.7(ELAC2):c.1585G>A (p.Gly529Arg)

Gene: ELAC2 (elaC ribonuclease Z 2; minus strand). Cytogenetic location: 17p12.
Variant type: single nucleotide variant.
Coding change: c.1585G>A on transcript NM_018127.7 (MANE Select); coding-DNA position 1585, G replaced by A.
Protein change: p.Gly529Arg; replaces glycine 529 with arginine.
Molecular consequence: missense variant.
Genome position (GRCh38, 1-based): chr17:12,996,621, C>T on the plus strand (G>A on the coding strand, the complement: ELAC2 is on the minus strand). VCF-style: chr17-12996621-C-T. GRCh37 (hg19) VCF-style: chr17-12899938-C-T.
Other names: c.1465G>A, p.Gly489Arg (NM_001165962.2); c.1582G>A, p.Gly528Arg (NM_173717.2); short protein forms G529R, G528R, G489R.
Identifiers: ClinVar variation 1523475 (VCV001523475.7), dbSNP rs1567746262, ClinGen allele CA398223977.